The following is an entry in ClinVar:

ClinVar aggregate classification (germline): Conflicting classifications of pathogenicity. Review status: criteria provided, conflicting classifications (1 of 4 stars). 4 submissions from 4 submitters: Uncertain significance (3); Benign (1). Last evaluated 2025-09-09.

Conditions:
Hereditary cancer-predisposing syndrome. Also called: Neoplastic Syndromes, Hereditary; Tumor predisposition; Hereditary Cancer Syndrome; Hereditary neoplastic syndrome. Identifiers: Orphanet 140162, MedGen C0027672, MeSH D009386, MONDO:0015356.
Familial adenomatous polyposis 2. Also called: Adenomas, multiple colorectal; MUTYH Polyposis; COLORECTAL ADENOMATOUS POLYPOSIS, AUTOSOMAL RECESSIVE; ADENOMAS, MULTIPLE COLORECTAL, AUTOSOMAL RECESSIVE; MUTYH-associated polyposis; MUTYH-related attenuated familial adenomatous polyposis. Identifiers: Orphanet 220460, Orphanet 247798, MedGen C3272841, MONDO:0012041, OMIM 608456.

Allele frequency attached by ClinVar (database versions not stated): gnomAD exomes 0.00001.
gnomAD v4.1: 6 of 1,614,122 alleles (0.00037%); highest among the groups gnomAD compares: South Asian, 0.0044%; 1 homozygote.

Submissions (4):

Ambry Genetics
Classification: Benign for Hereditary cancer-predisposing syndrome. Last evaluated: 2025-09-09. Review status: criteria provided, single submitter. Criteria: Ambry Variant Classification Scheme 2023. Collection method: clinical testing. Allele origin: germline.

Labcorp Genetics (formerly Invitae), Labcorp
Classification: Uncertain significance for Familial adenomatous polyposis 2. Last evaluated: 2025-05-13. Review status: criteria provided, single submitter. Criteria: Invitae Variant Classification Sherloc (09022015). Collection method: clinical testing. Allele origin: germline.
Comment: This sequence change replaces lysine, which is basic and polar, with asparagine, which is neutral and polar, at codon 365 of the MUTYH protein (p.Lys365Asn). This variant is not present in population databases (gnomAD no frequency). This variant has not been reported in the literature in individuals affected with MUTYH-related conditions. ClinVar contains an entry for this variant (Variation ID: 926998). An algorithm developed to predict the effect of missense changes on protein structure and function (PolyPhen-2) suggests that this variant is likely to be disruptive. In summary, the available evidence is currently insufficient to determine the role of this variant in disease. Therefore, it has been classified as a Variant of Uncertain Significance.

Color Diagnostics, LLC DBA Color Health
Classification: Uncertain significance for Hereditary cancer-predisposing syndrome. Last evaluated: 2024-03-06. Review status: criteria provided, single submitter. Criteria: ACMG Guidelines, 2015. Collection method: clinical testing. Allele origin: germline.
Comment: This missense variant replaces lysine with asparagine at codon 365 of the MUTYH protein. This variant is also known as c.1053G>T (p.Lys351Asn) based on an alternative transcript (NM_001048171). Computational prediction suggests that this variant may not impact protein structure and function (internally defined REVEL score threshold <= 0.5, PMID: 27666373). Splice site prediction tools suggest that this variant may not impact RNA splicing. To our knowledge, functional studies have not been performed for this variant. This variant has not been reported in individuals affected with hereditary cancer in the literature. This variant has not been identified in the general population by the Genome Aggregation Database (gnomAD). The available evidence is insufficient to determine the role of this variant in disease conclusively. Therefore, this variant is classified as a Variant of Uncertain Significance.

All of Us Research Program, National Institutes of Health
Classification: Uncertain significance for Familial adenomatous polyposis 2. Last evaluated: 2023-06-28. Review status: criteria provided, single submitter. Criteria: ACMG Guidelines, 2015. Collection method: clinical testing. Allele origin: germline. Inheritance: Autosomal recessive inheritance. Observed: 1 variant allele, 1 heterozygote.
Comment: This missense variant replaces lysine with asparagine at codon 365 of the MUTYH protein. This variant is also known as c.1053G>T (p.Lys351Asn) based on an alternative transcript (NM_001048171). Computational prediction suggests that this variant may not impact protein structure and function (internally defined REVEL score threshold <= 0.5, PMID: 27666373). Splice site prediction tools suggest that this variant may not impact RNA splicing. To our knowledge, functional studies have not been performed for this variant. This variant has not been reported in individuals affected with hereditary cancer in the literature. This variant has not been identified in the general population by the Genome Aggregation Database (gnomAD). The available evidence is insufficient to determine the role of this variant in disease conclusively. Therefore, this variant is classified as a Variant of Uncertain Significance.

This study involves interpretation of variants in research participants for the purpose of population health screening. Participant phenotype was not available at the time of variant classification. Additional details can be found in publication PMID: 35346344, PMCID: PMC8962531

Literature cited by the submitters: PubMed 40738107 (cited by Ambry Genetics).

NM_001048174.2(MUTYH):c.1011G>T (p.Lys337Asn)

Gene: MUTYH (mutY DNA glycosylase; minus strand). Cytogenetic location: 1p34.1.
Variant type: single nucleotide variant.
Coding change: c.1011G>T on transcript NM_001048174.2 (MANE Select); coding-DNA position 1011, G replaced by T.
Protein change: p.Lys337Asn; replaces lysine 337 with asparagine.
Molecular consequence: missense variant. On other transcripts: non-coding transcript variant (2).
Genome position (GRCh38, 1-based): chr1:45,331,752, C>A on the plus strand (G>T on the coding strand, the complement: MUTYH is on the minus strand). VCF-style: chr1-45331752-C-A. GRCh37 (hg19) VCF-style: chr1-45797424-C-A.
Other names: c.1011G>T, p.Lys337Asn (NM_001048171.2, NM_001048173.2, NM_001293195.2); c.1014G>T, p.Lys338Asn (NM_001048172.2); c.1095G>T, p.Lys365Asn (NM_001128425.2); c.1056G>T, p.Lys352Asn (NM_001293190.2); c.1044G>T, p.Lys348Asn (NM_001293191.2); c.735G>T, p.Lys245Asn (NM_001293192.2, NM_001293196.2); c.666G>T, p.Lys222Asn (NM_001350650.2, NM_001350651.2); c.1086G>T, p.Lys362Asn (NM_012222.3); short protein forms K337N, K338N, K222N, K245N, K348N, K362N, K365N, K352N.
Identifiers: ClinVar variation 926998 (VCV000926998.18), dbSNP rs1644913465, ClinGen allele CA340133585.